The following is an entry in ClinVar:

ClinVar aggregate classification (germline): Uncertain significance. Review status: criteria provided, multiple submitters, no conflicts (2 of 4 stars). 3 submissions from 3 submitters: Uncertain significance (3). Last evaluated 2023-04-11.

Conditions:
Congenital contractural arachnodactyly (CCA). Also called: BEALS SYNDROME; Beals-Hecht syndrome; Arthrogryposis, distal, type 9. Identifiers: Orphanet 115, MedGen C0220668, MONDO:0007363, OMIM 121050.
Familial thoracic aortic aneurysm and aortic dissection (TAAD). Also called: Thoracic aortic aneurysms and dissections. Identifiers: Orphanet 91387, MedGen C4707243, MONDO:0019625.

Allele frequency attached by ClinVar (database versions not stated): TOPMed below 0.00001.
gnomAD v4.1: 1 of 1,613,712 alleles (0.000062%); highest among the groups gnomAD compares: Non-Finnish European, 0.000085%; no homozygotes.

Submissions (3):

Ambry Genetics
Classification: Uncertain significance for Familial thoracic aortic aneurysm and aortic dissection. Last evaluated: 2023-04-11. Review status: criteria provided, single submitter. Criteria: Ambry Variant Classification Scheme 2023. Collection method: clinical testing. Allele origin: germline.
Comment: The p.D802E variant (also known as c.2406T>G), located in coding exon 18 of the FBN2 gene, results from a T to G substitution at nucleotide position 2406. The aspartic acid at codon 802 is replaced by glutamic acid, an amino acid with highly similar properties. This amino acid position is well conserved in available vertebrate species. In addition, the in silico prediction for this alteration is inconclusive. Since supporting evidence is limited at this time, the clinical significance of this alteration remains unclear.

Blueprint Genetics
Classification: Uncertain significance. Last evaluated: 2022-06-09. Review status: criteria provided, single submitter. Criteria: ACMG Guidelines, 2015. Collection method: clinical testing. Allele origin: germline.

Labcorp Genetics (formerly Invitae), Labcorp
Classification: Uncertain significance for Congenital contractural arachnodactyly. Last evaluated: 2018-03-15. Review status: criteria provided, single submitter. Criteria: Invitae Variant Classification Sherloc (09022015). Collection method: clinical testing. Allele origin: germline.
Comment: In summary, the available evidence is currently insufficient to determine the role of this variant in disease. Therefore, it has been classified as a Variant of Uncertain Significance. Algorithms developed to predict the effect of missense changes on protein structure and function (SIFT, PolyPhen-2, Align-GVGD) all suggest that this variant is likely to be tolerated, but these predictions have not been confirmed by published functional studies and their clinical significance is uncertain. This variant has not been reported in the literature in individuals with FBN2-related disease. This variant is present in population databases (rs568169177, ExAC 0.002%). This sequence change replaces aspartic acid with glutamic acid at codon 802 of the FBN2 protein (p.Asp802Glu). The aspartic acid residue is moderately conserved and there is a small physicochemical difference between aspartic acid and glutamic acid.

NM_001999.4(FBN2):c.2406T>G (p.Asp802Glu)

Gene: FBN2 (fibrillin 2; minus strand). Cytogenetic location: 5q23.3.
Variant type: single nucleotide variant.
Coding change: c.2406T>G on transcript NM_001999.4 (MANE Select); coding-DNA position 2406, T replaced by G.
Protein change: p.Asp802Glu; replaces aspartic acid 802 with glutamic acid.
Molecular consequence: missense variant.
Genome position (GRCh38, 1-based): chr5:128,364,622, A>C on the plus strand (T>G on the coding strand, the complement: FBN2 is on the minus strand). VCF-style: chr5-128364622-A-C. GRCh37 (hg19) VCF-style: chr5-127700315-A-C.
Other names: short protein forms D802E.
Identifiers: ClinVar variation 579531 (VCV000579531.11), dbSNP rs568169177, ClinGen allele CA3395562.